The following is an entry in ClinVar:

NM_025179.4(PLXNA2):c.669C>G (p.Ser223=)

Gene: PLXNA2 (plexin A2; minus strand). Cytogenetic location: 1q32.2.
Variant type: single nucleotide variant.
Coding change: c.669C>G on transcript NM_025179.4 (MANE Select); coding-DNA position 669, C replaced by G.
Protein change: p.Ser223=; no amino-acid change (serine 223 retained).
Molecular consequence: synonymous variant.
Genome position (GRCh38, 1-based): chr1:208,217,254, G>C on the plus strand (C>G on the coding strand, the complement: PLXNA2 is on the minus strand). VCF-style: chr1-208217254-G-C. GRCh37 (hg19) VCF-style: chr1-208390599-G-C.
Identifiers: ClinVar variation 3353483 (VCV003353483.1).

ClinVar aggregate classification (germline): Likely benign (0 of 4 stars; one submission).

Conditions:
PLXNA2-related disorder. Also called: PLXNA2-related condition.

gnomAD v4.1: 2 of 1,614,072 alleles (0.00012%); highest among the groups gnomAD compares: African/African-American, 0.0013%; no homozygotes.

Submission:

PreventionGenetics, part of Exact Sciences
Classification: Likely benign for PLXNA2-related condition. Last evaluated: 2022-06-08. Review status: no assertion criteria provided. Collection method: clinical testing. Allele origin: germline.
Comment: This variant is classified as likely benign based on ACMG/AMP sequence variant interpretation guidelines (Richards et al. 2015 PMID: 25741868, with internal and published modifications).